The following is an entry in ClinVar:

NM_080680.3(COL11A2):c.3605G>A (p.Gly1202Asp)

Gene: COL11A2 (collagen type XI alpha 2 chain; minus strand). Cytogenetic location: 6p21.32.
Variant type: single nucleotide variant.
Coding change: c.3605G>A on transcript NM_080680.3 (MANE Select); coding-DNA position 3605, G replaced by A.
Protein change: p.Gly1202Asp; replaces glycine 1202 with aspartic acid.
Molecular consequence: missense variant.
Genome position (GRCh38, 1-based): chr6:33,170,078, C>T on the plus strand (G>A on the coding strand, the complement: COL11A2 is on the minus strand). VCF-style: chr6-33170078-C-T. GRCh37 (hg19) VCF-style: chr6-33137855-C-T.
Other names: c.3425G>A, p.Gly1142Asp (NM_001424108.1); c.2759G>A, p.Gly920Asp (NM_001424109.1); c.2579G>A, p.Gly860Asp (NM_001424110.1, NM_001424111.1); c.1559G>A, p.Gly520Asp (NM_001424112.1); c.3284G>A, p.Gly1095Asp (NM_080679.3); c.3347G>A, p.Gly1116Asp (NM_080681.3); short protein forms G1095D, G1116D, G1202D, G520D, G860D, G1142D, G920D.
Identifiers: ClinVar variation 3653020 (VCV003653020.3).

ClinVar aggregate classification (germline): Uncertain significance. Review status: criteria provided, multiple submitters, no conflicts (2 of 4 stars). 2 submissions from 2 submitters: Uncertain significance (2). Last evaluated 2026-01-18.

gnomAD v4.1: 1 of 1,612,944 alleles (0.000062%); highest among the groups gnomAD compares: Non-Finnish European, 0.000085%; no homozygotes.

Submissions (2):

Labcorp Genetics (formerly Invitae), Labcorp
Classification: Uncertain significance. Last evaluated: 2026-01-18. Review status: criteria provided, single submitter. Criteria: Invitae Variant Classification Sherloc (09022015). Collection method: clinical testing. Allele origin: germline.
Comment: This sequence change replaces glycine, which is neutral and non-polar, with aspartic acid, which is acidic and polar, at codon 1202 of the COL11A2 protein (p.Gly1202Asp). This variant is not present in population databases (gnomAD no frequency). This variant has not been reported in the literature in individuals affected with COL11A2-related conditions. ClinVar contains an entry for this variant (Variation ID: 3653020). Invitae Evidence Modeling of protein sequence and biophysical properties (such as structural, functional, and spatial information, amino acid conservation, physicochemical variation, residue mobility, and thermodynamic stability) indicates that this missense variant is not expected to disrupt COL11A2 protein function with a negative predictive value of 95%. In summary, the available evidence is currently insufficient to determine the role of this variant in disease. Therefore, it has been classified as a Variant of Uncertain Significance.

Women's Health and Genetics/Laboratory Corporation of America, LabCorp
Classification: Uncertain significance. Last evaluated: 2025-03-14. Review status: criteria provided, single submitter. Criteria: LabCorp Variant Classification Summary - May 2015. Collection method: clinical testing. Allele origin: germline.
Comment: Variant summary: COL11A2 c.3605G>A (p.Gly1202Asp) results in a non-conservative amino acid change in the encoded protein sequence. Three of five in-silico tools predict a damaging effect of the variant on protein function. The variant was absent in 247072 control chromosomes. The available data on variant occurrences in the general population are insufficient to allow any conclusion about variant significance. To our knowledge, no occurrence of c.3605G>A in individuals affected with COL11A2-Related Disorders and no experimental evidence demonstrating its impact on protein function have been reported. ClinVar contains an entry for this variant (Variation ID: 3653020). Based on the evidence outlined above, the variant was classified as uncertain significance.